The following is an entry in ClinVar:

NM_001330588.2(TPP2):c.1270A>G (p.Ile424Val)

Gene: TPP2 (tripeptidyl peptidase 2; plus strand). Cytogenetic location: 13q33.1.
Variant type: single nucleotide variant.
Coding change: c.1270A>G on transcript NM_001330588.2 (MANE Select); coding-DNA position 1270, A replaced by G.
Protein change: p.Ile424Val; replaces isoleucine 424 with valine.
Molecular consequence: missense variant. On other transcripts: non-coding transcript variant (1).
Genome position (GRCh38, 1-based): chr13:102,633,975, A>G. VCF-style: chr13-102633975-A-G. GRCh37 (hg19) VCF-style: chr13-103286325-A-G.
Other names: c.1270A>G, p.Ile424Val (NM_001367947.1, NM_003291.4); short protein forms I424V.
Identifiers: ClinVar variation 949468 (VCV000949468.7), dbSNP rs146267750, ClinGen allele CA7037707.

ClinVar aggregate classification (germline): Uncertain significance. Review status: criteria provided, multiple submitters, no conflicts (2 of 4 stars). 3 submissions from 3 submitters: Uncertain significance (3). Last evaluated 2025-01-29.

Conditions:
Evans syndrome, immunodeficiency, and premature immunosenescence associated with tripeptidyl-peptidase II deficiency. Identifiers: MedGen CN231723. Disease mechanism: loss of function.
Immunodeficiency 78 with autoimmunity and developmental delay. Also called: TPP2 deficiency. Identifiers: MedGen C5543159, MONDO:0030971, OMIM 619220.

Allele frequency attached by ClinVar (database versions not stated): ExAC 0.00002; gnomAD exomes 0.00004 and 0.00006; gnomAD 0.00006 and 0.00007; TOPMed 0.00006; ESP Exome Variant Server 0.00008.
gnomAD v4.1: 98 of 1,613,984 alleles (0.0061%); highest among the groups gnomAD compares: Middle Eastern, 0.049%; no homozygotes.

Submissions (3):

Labcorp Genetics (formerly Invitae), Labcorp
Classification: Uncertain significance for Evans syndrome, immunodeficiency, and premature immunosenescence associated with tripeptidyl-peptidase II deficiency. Last evaluated: 2025-01-29. Review status: criteria provided, single submitter. Criteria: Invitae Variant Classification Sherloc (09022015). Collection method: clinical testing. Allele origin: germline.
Comment: This sequence change replaces isoleucine, which is neutral and non-polar, with valine, which is neutral and non-polar, at codon 424 of the TPP2 protein (p.Ile424Val). This variant is present in population databases (rs146267750, gnomAD 0.008%). This missense change has been observed in individual(s) with primary B cell defects (PMID: 36790564). ClinVar contains an entry for this variant (Variation ID: 949468). An algorithm developed to predict the effect of missense changes on protein structure and function outputs the following: PolyPhen-2: "Benign". The valine amino acid residue is found in multiple mammalian species, which suggests that this missense change does not adversely affect protein function. In summary, the available evidence is currently insufficient to determine the role of this variant in disease. Therefore, it has been classified as a Variant of Uncertain Significance.

Center for Genomics, Ann and Robert H. Lurie Children's Hospital of Chicago
Classification: Uncertain significance for Immunodeficiency 78 with autoimmunity and developmental delay. Last evaluated: 2021-05-12. Review status: criteria provided, single submitter. Criteria: ACMG Guidelines, 2015. Collection method: clinical testing. Allele origin: germline.
Comment: TPP2 NM_003291.2 exon 11 p.Ile424Val (c.1270A>G): This variant has not been reported in the literature but is present in 0.007% (5/68038) of European alleles in the Genome Aggregation Database. This variant is present in ClinVar (Variation ID:949468). This variant amino acid Valine (Val) is present in 7 species (Antelope, Sheep, Cow, Goat, Walrus, Seal, Manatee); this suggests that this variant may not impact the protein. Additional computational prediction tools are unclear. In summary, data on this variant is insufficient for disease classification. Therefore, the clinical significance of this variant is uncertain.

Breakthrough Genomics
Classification: Uncertain significance. Review status: criteria provided, single submitter. Criteria: ACMG Guidelines, 2015. Collection method: not provided. Allele origin: germline. Inheritance: Autosomal recessive inheritance. Affected: yes.

Literature cited by the submitters: PubMed 36790564 (cited by Labcorp Genetics (formerly Invitae), Labcorp).